The following is an entry in ClinVar:

ClinVar aggregate classification (germline): Conflicting classifications of pathogenicity. Review status: criteria provided, conflicting classifications (1 of 4 stars). 2 submissions from 2 submitters: Uncertain significance (1); Likely benign (1). Last evaluated 2026-09-01.

gnomAD v4.1: 12 of 1,602,412 alleles (0.00075%); highest among the groups gnomAD compares: Admixed American, 0.0017%; no homozygotes.

Submissions (2):

CeGaT Center for Human Genetics Tuebingen
Classification: Likely benign. Last evaluated: 2026-09-01. Review status: criteria provided, single submitter. Criteria: CeGaT Center For Human Genetics Tuebingen Variant Classification Criteria Version 2. Collection method: clinical testing. Allele origin: germline. Affected: yes. Observed: 1 variant allele.
Comment: BRD4: BS2

Labcorp Genetics (formerly Invitae), Labcorp
Classification: Uncertain significance. Last evaluated: 2024-04-24. Review status: criteria provided, single submitter. Criteria: Invitae Variant Classification Sherloc (09022015). Collection method: clinical testing. Allele origin: germline.
Comment: This sequence change replaces aspartic acid, which is acidic and polar, with asparagine, which is neutral and polar, at codon 487 of the BRD4 protein (p.Asp487Asn). The frequency data for this variant in the population databases is considered unreliable, as metrics indicate poor data quality at this position in the gnomAD database. This variant has not been reported in the literature in individuals affected with BRD4-related conditions. Advanced modeling of protein sequence and biophysical properties (such as structural, functional, and spatial information, amino acid conservation, physicochemical variation, residue mobility, and thermodynamic stability) performed at Invitae indicates that this missense variant is not expected to disrupt BRD4 protein function with a negative predictive value of 80%. In summary, the available evidence is currently insufficient to determine the role of this variant in disease. Therefore, it has been classified as a Variant of Uncertain Significance.

NM_001379291.1(BRD4):c.1459G>A (p.Asp487Asn)

Gene: BRD4 (bromodomain containing 4; minus strand). Cytogenetic location: 19p13.12.
Variant type: single nucleotide variant.
Coding change: c.1459G>A on transcript NM_001379291.1 (MANE Select); coding-DNA position 1459, G replaced by A.
Protein change: p.Asp487Asn; replaces aspartic acid 487 with asparagine.
Molecular consequence: missense variant.
Genome position (GRCh38, 1-based): chr19:15,257,056, C>T on the plus strand (G>A on the coding strand, the complement: BRD4 is on the minus strand). VCF-style: chr19-15257056-C-T. GRCh37 (hg19) VCF-style: chr19-15367867-C-T.
Other names: c.1459G>A, p.Asp487Asn (NM_001330384.2, NM_001379292.1, NM_014299.3 and 1 more transcripts); short protein forms D487N.
Identifiers: ClinVar variation 3710593 (VCV003710593.3).